The following is an entry in ClinVar:

NM_174936.4(PCSK9):c.1212G>T (p.Pro404=)

Gene: PCSK9 (proprotein convertase subtilisin/kexin type 9; plus strand). Cytogenetic location: 1p32.3.
Variant type: single nucleotide variant.
Coding change: c.1212G>T on transcript NM_174936.4 (MANE Select); coding-DNA position 1212, G replaced by T.
Protein change: p.Pro404=; no amino-acid change (proline 404 retained).
Molecular consequence: synonymous variant. On other transcripts: non-coding transcript variant (8), intron variant (2).
Genome position (GRCh38, 1-based): chr1:55,058,067, G>T. VCF-style: chr1-55058067-G-T. GRCh37 (hg19) VCF-style: chr1-55523740-G-T.
Other names: c.1335G>T, p.Pro445= (NM_001407240.1); c.1212G>T, p.Pro404= (NM_001407241.1); c.1215G>T, p.Pro405= (NM_001407242.1); c.1155G>T, p.Pro385= (NM_001407243.1); c.1020G>T, p.Pro340= (NM_001407245.1); c.837G>T, p.Pro279= (NM_001407246.1); c.1181-432G>T (NM_001407244.1); c.1180+553G>T (NM_001407247.1).
Identifiers: ClinVar variation 1626386 (VCV001626386.10), dbSNP rs777470856, ClinGen allele CA417960144.

ClinVar aggregate classification (germline): Likely benign. Review status: criteria provided, multiple submitters, no conflicts (2 of 4 stars). 2 submissions from 2 submitters: Likely benign (2). Last evaluated 2024-05-05.

Conditions:
Hypercholesterolemia, autosomal dominant, 3 (FHCL3). Also called: Familial Hypercholesterolemia, Autosomal Dominant, 3; PCSK9-Related Familial Hypercholesterolemia, Autosomal Dominant; Familial hypercholesterolemia 3. Identifiers: MedGen C1863551, MONDO:0011369, OMIM 603776.

gnomAD v4.1: 3 of 1,613,690 alleles (0.00019%); highest among the groups gnomAD compares: South Asian, 0.0022%; no homozygotes.

Submissions (2):

Labcorp Genetics (formerly Invitae), Labcorp
Classification: Likely benign for Hypercholesterolemia, autosomal dominant, 3. Last evaluated: 2024-05-05. Review status: criteria provided, single submitter. Criteria: Invitae Variant Classification Sherloc (09022015). Collection method: clinical testing. Allele origin: germline.

All of Us Research Program, National Institutes of Health
Classification: Likely benign for Hypercholesterolemia, autosomal dominant, 3. Last evaluated: 2023-05-16. Review status: criteria provided, single submitter. Criteria: ACMG Guidelines, 2015. Collection method: clinical testing. Allele origin: germline. Inheritance: Autosomal dominant inheritance. Observed: 1 variant allele, 1 heterozygote.
Comment: This study involves interpretation of variants in research participants for the purpose of population health screening. Participant phenotype was not available at the time of variant classification. Additional details can be found in publication PMID: 35346344, PMCID: PMC8962531